The following is an entry in ClinVar:

ClinVar aggregate classification (germline): Likely benign. Review status: criteria provided, multiple submitters, no conflicts (2 of 4 stars). 4 submissions from 4 submitters: Likely benign (4). Last evaluated 2025-10-26.

Conditions:
Brittle cornea syndrome 2 (BCS2). Identifiers: Orphanet 90354, MedGen C3280011, MONDO:0013605, OMIM 614170.

Allele frequency attached by ClinVar (database versions not stated): gnomAD 0.00008 and 0.00009; TOPMed 0.00008; gnomAD exomes 0.00010; ExAC 0.00014; ESP Exome Variant Server 0.00031.
gnomAD v4.1: 152 of 1,613,564 alleles (0.0094%); highest among the groups gnomAD compares: Admixed American, 0.017%; no homozygotes.

Submissions (4):

Labcorp Genetics (formerly Invitae), Labcorp
Classification: Likely benign. Last evaluated: 2025-10-26. Review status: criteria provided, single submitter. Criteria: Invitae Variant Classification Sherloc (09022015). Collection method: clinical testing. Allele origin: germline.

Women's Health and Genetics/Laboratory Corporation of America, LabCorp
Classification: Likely benign. Last evaluated: 2025-03-24. Review status: criteria provided, single submitter. Criteria: LabCorp Variant Classification Summary - May 2015. Collection method: clinical testing. Allele origin: germline.

Fulgent Genetics
Classification: Likely benign for Brittle cornea syndrome 2. Last evaluated: 2022-05-18. Review status: criteria provided, single submitter. Criteria: ACMG Guidelines, 2015. Collection method: clinical testing. Allele origin: unknown.

GeneDx
Classification: Likely benign. Last evaluated: 2016-12-23. Review status: criteria provided, single submitter. Criteria: GeneDx Variant Classification (06012015). Collection method: clinical testing. Allele origin: germline. Affected: yes.
Comment: This variant is considered likely benign or benign based on one or more of the following criteria: it is a conservative change, it occurs at a poorly conserved position in the protein, it is predicted to be benign by multiple in silico algorithms, and/or has population frequency not consistent with disease.

NM_018699.4(PRDM5):c.300+17C>T

Gene: PRDM5 (PR/SET domain 5; minus strand). Cytogenetic location: 4q27.
Variant type: single nucleotide variant.
Coding change: c.300+17C>T on transcript NM_018699.4 (MANE Select); 17 bases into the intron after coding-DNA position 300, C replaced by T.
Molecular consequence: intron variant.
Genome position (GRCh38, 1-based): chr4:120,853,401, G>A on the plus strand (C>T on the coding strand, the complement: PRDM5 is on the minus strand). VCF-style: chr4-120853401-G-A. GRCh37 (hg19) VCF-style: chr4-121774556-G-A.
Other names: c.300+17C>T (NM_001300824.2, NM_001379106.1, NM_001300823.2 and 1 more transcripts).
Identifiers: ClinVar variation 392165 (VCV000392165.6), dbSNP rs376707809, ClinGen allele CA3061437.